The following is an entry in ClinVar:

NM_017654.4(SAMD9):c.790T>G (p.Phe264Val)

Gene: SAMD9 (sterile alpha motif domain containing 9; minus strand). Cytogenetic location: 7q21.2.
Variant type: single nucleotide variant.
Coding change: c.790T>G on transcript NM_017654.4 (MANE Select); coding-DNA position 790, T replaced by G.
Protein change: p.Phe264Val; replaces phenylalanine 264 with valine.
Molecular consequence: missense variant.
Genome position (GRCh38, 1-based): chr7:93,105,308, A>C on the plus strand (T>G on the coding strand, the complement: SAMD9 is on the minus strand). VCF-style: chr7-93105308-A-C. GRCh37 (hg19) VCF-style: chr7-92734621-A-C.
Other names: c.790T>G (NM_017654.3); c.790T>G, p.Phe264Val (NM_001193307.2); short protein forms F264V.
Identifiers: ClinVar variation 3766894 (VCV003766894.2).

ClinVar aggregate classification (germline): Uncertain significance. Review status: criteria provided, multiple submitters, no conflicts (2 of 4 stars). 2 submissions from 2 submitters: Uncertain significance (2). Last evaluated 2025-10-03.

Conditions:
Inborn genetic diseases. Identifiers: MedGen C0950123, MeSH D030342.

gnomAD v4.1: 3 of 1,613,944 alleles (0.00019%); highest among the groups gnomAD compares: South Asian, 0.0022%; no homozygotes.

Submissions (2):

Ambry Genetics
Classification: Uncertain significance for Inborn genetic diseases. Last evaluated: 2025-10-03. Review status: criteria provided, single submitter. Criteria: Ambry Variant Classification Scheme 2023. Collection method: clinical testing. Allele origin: germline.
Comment: The p.F264V variant (also known as c.790T>G), located in coding exon 1 of the SAMD9 gene, results from a T to G substitution at nucleotide position 790. The phenylalanine at codon 264 is replaced by valine, an amino acid with highly similar properties. This amino acid position is conserved. In addition, this alteration is predicted to be tolerated by in silico analysis. Based on the available evidence, the clinical significance of this variant remains unclear.

ARUP Laboratories, Molecular Genetics and Genomics, ARUP Laboratories
Classification: Uncertain significance. Last evaluated: 2024-01-03. Review status: criteria provided, single submitter. Criteria: ARUP Molecular Germline Variant Investigation Process 2024. Collection method: clinical testing. Allele origin: germline.